The following is an entry in ClinVar:

NM_176787.5(PIGN):c.2013G>A (p.Gln671=)

Gene: PIGN (phosphatidylinositol glycan anchor biosynthesis class N; minus strand). Cytogenetic location: 18q21.33.
Variant type: single nucleotide variant.
Coding change: c.2013G>A on transcript NM_176787.5 (MANE Select); coding-DNA position 2013, G replaced by A.
Protein change: p.Gln671=; no amino-acid change (glutamine 671 retained).
Molecular consequence: synonymous variant.
Genome position (GRCh38, 1-based): chr18:62,101,139, C>T on the plus strand (G>A on the coding strand, the complement: PIGN is on the minus strand). VCF-style: chr18-62101139-C-T. GRCh37 (hg19) VCF-style: chr18-59768372-C-T.
Other names: c.2013G>A, p.Gln671= (NM_012327.6).
Identifiers: ClinVar variation 771075 (VCV000771075.13), dbSNP rs536963290, ClinGen allele CA8982111.

ClinVar aggregate classification (germline): Likely benign. Review status: criteria provided, multiple submitters, no conflicts (2 of 4 stars). 4 submissions from 4 submitters: Likely benign (4). Last evaluated 2026-06-14.

Conditions:
PIGN-related disorder. Also called: PIGN-related condition.
Multiple congenital anomalies-hypotonia-seizures syndrome 1 (MCAHS1). Also called: GLYCOSYLPHOSPHATIDYLINOSITOL BIOSYNTHESIS DEFECT 3; PIGN-CDG; Congenital disorder of glycosylation due to PIGN deficiency. Identifiers: Orphanet 280633, MedGen C3279775, MONDO:0013563, OMIM 614080.

Allele frequency attached by ClinVar (database versions not stated): ExAC 0.00002; gnomAD exomes 0.00002 and 0.00004; TOPMed 0.00016; gnomAD 0.00017 and 0.00018.
gnomAD v4.1: 58 of 1,611,570 alleles (0.0036%); highest among the groups gnomAD compares: African/African-American, 0.063%; no homozygotes.

Submissions (4):

PreventionGenetics, part of Exact Sciences
Classification: Likely benign for PIGN-related condition. Last evaluated: 2026-06-14. Review status: criteria provided, single submitter. Criteria: ACMG Guidelines, 2015. Collection method: clinical testing. Allele origin: germline.
Comment: This variant is classified as likely benign based on ACMG/AMP sequence variant interpretation guidelines (Richards et al. 2015 PMID: 25741868, with internal and published modifications).

Labcorp Genetics (formerly Invitae), Labcorp
Classification: Likely benign for Multiple congenital anomalies-hypotonia-seizures syndrome 1. Last evaluated: 2026-01-24. Review status: criteria provided, single submitter. Criteria: Invitae Variant Classification Sherloc (09022015). Collection method: clinical testing. Allele origin: germline.

Blueprint Genetics
Classification: Likely benign. Last evaluated: 2024-07-15. Review status: criteria provided, single submitter. Criteria: ACMG Guidelines, 2015. Collection method: clinical testing. Allele origin: germline.

Breakthrough Genomics
Classification: Likely benign. Review status: criteria provided, single submitter. Criteria: ACMG Guidelines, 2015. Collection method: not provided. Allele origin: germline. Inheritance: Autosomal recessive inheritance. Affected: yes.